The following is an entry in ClinVar:

NM_000044.6(AR):c.88G>A (p.Val30Met)

Gene: AR (androgen receptor; plus strand). Cytogenetic location: Xq12.
Variant type: single nucleotide variant.
Coding change: c.88G>A on transcript NM_000044.6 (MANE Select); coding-DNA position 88, G replaced by A.
Protein change: p.Val30Met; replaces valine 30 with methionine.
Molecular consequence: missense variant. On other transcripts: 5 prime UTR variant (1).
Genome position (GRCh38, 1-based): chrX:67,545,234, G>A. VCF-style: chrX-67545234-G-A. GRCh37 (hg19) VCF-style: chrX-66765076-G-A.
Other names: c.-1696G>A (NM_001011645.3); c.88G>A, p.Val30Met (NM_001348061.1, NM_001348063.1, NM_001348064.1); short protein forms V30M.
Identifiers: ClinVar variation 3339499 (VCV003339499.1).

ClinVar aggregate classification (germline): Uncertain significance (1 of 4 stars; one submission).

gnomAD v4.1: 1 of 1,210,251 alleles (0.000083%); highest among the groups gnomAD compares: Non-Finnish European, 0.00011%; no homozygotes.

Submission:

Women's Health and Genetics/Laboratory Corporation of America, LabCorp
Classification: Uncertain significance. Last evaluated: 2024-07-15. Review status: criteria provided, single submitter. Criteria: LabCorp Variant Classification Summary - May 2015. Collection method: clinical testing. Allele origin: germline.
Comment: Variant summary: AR c.88G>A (p.Val30Met) results in a conservative amino acid change in the encoded protein sequence. Three of five in-silico tools predict a benign effect of the variant on protein function. The variant was absent in 181068 control chromosomes. The available data on variant occurrences in the general population are insufficient to allow any conclusion about variant significance. c.88G>A has been reported in the literature in at least one individual affected with complete androgen insensitivity syndrome (e.g., Topcu_2015).These data do not allow any conclusion about variant significance. To our knowledge, no experimental evidence demonstrating an impact on protein function has been reported. The following publication have been ascertained in the context of this evaluation (PMID: 26197461). No submitters have cited clinical-significance assessments for this variant to ClinVar. Based on the evidence outlined above, the variant was classified as uncertain significance.

Literature cited by the submitters: PubMed 26197461.